The following is an entry in ClinVar:

ClinVar aggregate classification (germline): Uncertain significance. Review status: criteria provided, multiple submitters, no conflicts (2 of 4 stars). 3 submissions from 3 submitters: Uncertain significance (3). Last evaluated 2025-08-21.

Conditions:
Inborn genetic diseases. Identifiers: MedGen C0950123, MeSH D030342.

Allele frequency attached by ClinVar (database versions not stated): TOPMed 0.00001; ExAC 0.00002; gnomAD 0.00002; gnomAD exomes 0.00002.

Submissions (3):

Ambry Genetics
Classification: Uncertain significance for Inborn genetic diseases. Last evaluated: 2025-08-21. Review status: criteria provided, single submitter. Criteria: Ambry Variant Classification Scheme 2023. Collection method: clinical testing. Allele origin: germline.

Labcorp Genetics (formerly Invitae), Labcorp
Classification: Uncertain significance. Last evaluated: 2022-04-21. Review status: criteria provided, single submitter. Criteria: Invitae Variant Classification Sherloc (09022015). Collection method: clinical testing. Allele origin: germline.
Comment: This sequence change replaces proline, which is neutral and non-polar, with leucine, which is neutral and non-polar, at codon 83 of the C1QB protein (p.Pro83Leu). This variant is present in population databases (rs761952858, gnomAD 0.004%). This variant has not been reported in the literature in individuals affected with C1QB-related conditions. Algorithms developed to predict the effect of missense changes on protein structure and function are either unavailable or do not agree on the potential impact of this missense change (SIFT: "Tolerated"; PolyPhen-2: "Probably Damaging"; Align-GVGD: "Class C0"). In summary, the available evidence is currently insufficient to determine the role of this variant in disease. Therefore, it has been classified as a Variant of Uncertain Significance.

Blueprint Genetics
Classification: Uncertain significance. Last evaluated: 2021-10-20. Review status: criteria provided, single submitter. Criteria: ACMG Guidelines, 2015. Collection method: clinical testing. Allele origin: germline.

NM_001378156.1(C1QB):c.242C>T (p.Pro81Leu)

Gene: C1QB (complement C1q B chain; plus strand). Cytogenetic location: 1p36.12.
Variant type: single nucleotide variant.
Coding change: c.242C>T on transcript NM_001378156.1 (MANE Select); coding-DNA position 242, C replaced by T.
Protein change: p.Pro81Leu; replaces proline 81 with leucine.
Molecular consequence: missense variant.
Genome position (GRCh38, 1-based): chr1:22,660,872, C>T. VCF-style: chr1-22660872-C-T. GRCh37 (hg19) VCF-style: chr1-22987365-C-T.
Other names: c.248C>T, p.Pro83Leu (NM_000491.5); c.242C>T, p.Pro81Leu (NM_001371184.3); short protein forms P81L, P83L.
Identifiers: ClinVar variation 2184364 (VCV002184364.3), dbSNP rs761952858, ClinGen allele CA678127.